The following is an entry in ClinVar:

NM_001851.6(COL9A1):c.2404G>A (p.Gly802Ser)

Gene: COL9A1 (collagen type IX alpha 1 chain; minus strand). Cytogenetic location: 6q13.
Variant type: single nucleotide variant.
Coding change: c.2404G>A on transcript NM_001851.6 (MANE Select); coding-DNA position 2404, G replaced by A.
Protein change: p.Gly802Ser; replaces glycine 802 with serine.
Molecular consequence: missense variant. On other transcripts: non-coding transcript variant (1).
Genome position (GRCh38, 1-based): chr6:70,232,682, C>T on the plus strand (G>A on the coding strand, the complement: COL9A1 is on the minus strand). VCF-style: chr6-70232682-C-T. GRCh37 (hg19) VCF-style: chr6-70942385-C-T.
Other names: c.1705G>A, p.Gly569Ser (NM_001377289.1); c.1528G>A, p.Gly510Ser (NM_001377290.1); c.1675G>A, p.Gly559Ser (NM_078485.4); short protein forms G510S, G559S, G569S, G802S.
Identifiers: ClinVar variation 1064099 (VCV001064099.10), dbSNP rs774610828, ClinGen allele CA3881773.

ClinVar aggregate classification (germline): Uncertain significance. Review status: criteria provided, multiple submitters, no conflicts (2 of 4 stars). 3 submissions from 3 submitters: Uncertain significance (3). Last evaluated 2022-07-25.

Conditions:
Stickler syndrome, type 4 (STL4). Identifiers: Orphanet 250984, Orphanet 828, MedGen C3279941, MONDO:0013590, OMIM 614134.

Allele frequency attached by ClinVar (database versions not stated): gnomAD 0.00001; gnomAD exomes 0.00001; TOPMed 0.00001; ExAC 0.00002.
gnomAD v4.1: 21 of 1,613,822 alleles (0.0013%); highest among the groups gnomAD compares: Non-Finnish European, 0.0016%; no homozygotes.

Submissions (3):

Labcorp Genetics (formerly Invitae), Labcorp
Classification: Uncertain significance. Last evaluated: 2022-07-25. Review status: criteria provided, single submitter. Criteria: Invitae Variant Classification Sherloc (09022015). Collection method: clinical testing. Allele origin: germline.
Comment: This sequence change replaces glycine, which is neutral and non-polar, with serine, which is neutral and polar, at codon 802 of the COL9A1 protein (p.Gly802Ser). This variant is present in population databases (rs774610828, gnomAD 0.007%). This variant has not been reported in the literature in individuals affected with COL9A1-related conditions. ClinVar contains an entry for this variant (Variation ID: 1064099). Advanced modeling of protein sequence and biophysical properties (such as structural, functional, and spatial information, amino acid conservation, physicochemical variation, residue mobility, and thermodynamic stability) performed at Invitae indicates that this missense variant is expected to disrupt COL9A1 protein function. Algorithms developed to predict the effect of sequence changes on RNA splicing suggest that this variant may create or strengthen a splice site. In summary, the available evidence is currently insufficient to determine the role of this variant in disease. Therefore, it has been classified as a Variant of Uncertain Significance.

Victorian Clinical Genetics Services, Murdoch Childrens Research Institute
Classification: Uncertain significance for Stickler syndrome, type 4. Last evaluated: 2022-02-02. Review status: criteria provided, single submitter. Criteria: ACMG Guidelines, 2015. Collection method: clinical testing. Allele origin: germline. Inheritance: Autosomal recessive inheritance. Affected: yes.
Comment: Based on the classification scheme VCGS_Germline_v1.3.4, this variant is classified as VUS-3B. Following criteria are met: 0102 - Loss of function is a known mechanism of disease in this gene and is associated with Stickler syndrome, type IV (MIM#614134). (I) 0106 - This gene is associated with autosomal recessive disease. (I) 0115 - Variants in this gene are known to have variable expressivity (GeneReviews). (I) 0200 - Variant is predicted to result in a missense amino acid change from glycine to serine. (I) 0251 - This variant is heterozygous. (I) 0304 - Variant is present in gnomAD (v2) <0.01 for a recessive condition (2 heterozygotes, 0 homozygotes). (SP) 0501 - Missense variant consistently predicted to be damaging by multiple in silico tools or highly conserved with a major amino acid change. (SP) 0600 - Variant is located in the annotated triple helix domain (PDB). No pathogenic glycine residues have been reported in this region. An association study has reported p.(Gly799Arg) as a potential causative and/or candidate variant, however it was based on in silico prediction only (PMID: 23967202). (I) 0705 - No comparable missense variants have previous evidence for pathogenicity. (I) 0809 - Previous evidence of pathogenicity for this variant is inconclusive. This variant has once been previously described as a variant of uncertain significance (ClinVar). (I) 0905 - No published segregation evidence has been identified for this variant. (I) 1007 - No published functional evidence has been identified for this variant. (I) 1208 - Inheritance information for this variant is not currently available in this individual. (I)

GeneDx
Classification: Uncertain significance. Last evaluated: 2022-01-04. Review status: criteria provided, single submitter. Criteria: GeneDx Variant Classification Process June 2021. Collection method: clinical testing. Allele origin: germline. Affected: yes.
Comment: Has not been previously published as pathogenic or benign to our knowledge; Not observed at significant frequency in large population cohorts (gnomAD); In silico analysis supports that this missense variant has a deleterious effect on protein structure/function; Reported in ClinVar as a variant of uncertain significance (ClinVar Variant ID# 1064099)

Literature cited by the submitters: PubMed 23967202 (cited by Victorian Clinical Genetics Services, Murdoch Childrens Research Institute).